The following is an entry in ClinVar:

NM_005055.5(RAPSN):c.581A>G (p.Asn194Ser)

Gene: RAPSN (receptor associated protein of the synapse; minus strand). Cytogenetic location: 11p11.2.
Variant type: single nucleotide variant.
Coding change: c.581A>G on transcript NM_005055.5 (MANE Select); coding-DNA position 581, A replaced by G.
Protein change: p.Asn194Ser; replaces asparagine 194 with serine.
Molecular consequence: missense variant.
Genome position (GRCh38, 1-based): chr11:47,442,765, T>C on the plus strand (A>G on the coding strand, the complement: RAPSN is on the minus strand). VCF-style: chr11-47442765-T-C. GRCh37 (hg19) VCF-style: chr11-47464317-T-C.
Other names: c.581A>G, p.Asn194Ser (NM_032645.5); short protein forms N194S.
Identifiers: ClinVar variation 1009012 (VCV001009012.7), dbSNP rs2076375665, ClinGen allele CA380332340.

ClinVar aggregate classification (germline): Uncertain significance. Review status: criteria provided, multiple submitters, no conflicts (2 of 4 stars). 3 submissions from 3 submitters: Uncertain significance (2). 1 of the submissions does not count toward it. Last evaluated 2023-02-06.

Conditions:
Congenital myasthenic syndrome 11. Also called: Myasthenic syndrome, congenital, 11, associated with acetylcholine receptor deficiency; MYASTHENIC SYNDROME, CONGENITAL, Ie. Identifiers: Orphanet 590, MedGen C4225367, MONDO:0014588, OMIM 616326.
Fetal akinesia deformation sequence 1 (FADS1). Also called: Pena-Shokeir syndrome type I; Fetal akinesia sequence. Identifiers: Orphanet 994, MedGen C1276035, MONDO:0100101, OMIM 208150, HP:0001989.
Congenital myasthenic syndrome (CMS). Also called: Congenital Myasthenic Syndromes. Identifiers: Orphanet 590, MedGen C0751882, MeSH D020294, MONDO:0018940.

Submissions (3):

Revvity Omics, Revvity
Classification: Uncertain significance. Last evaluated: 2023-02-06. Review status: criteria provided, single submitter. Criteria: ACMG Guidelines, 2015. Collection method: clinical testing. Allele origin: germline.

Labcorp Genetics (formerly Invitae), Labcorp
Classification: Uncertain significance for Congenital myasthenic syndrome 11; Fetal akinesia deformation sequence 1. Last evaluated: 2022-07-19. Review status: criteria provided, single submitter. Criteria: Invitae Variant Classification Sherloc (09022015). Collection method: clinical testing. Allele origin: germline.
Comment: This sequence change replaces asparagine, which is neutral and polar, with serine, which is neutral and polar, at codon 194 of the RAPSN protein (p.Asn194Ser). This variant is not present in population databases (gnomAD no frequency). This variant has not been reported in the literature in individuals affected with RAPSN-related conditions. ClinVar contains an entry for this variant (Variation ID: 1009012). Algorithms developed to predict the effect of missense changes on protein structure and function output the following: SIFT: "Tolerated"; PolyPhen-2: "Benign"; Align-GVGD: "Class C0". The serine amino acid residue is found in multiple mammalian species, which suggests that this missense change does not adversely affect protein function. In summary, the available evidence is currently insufficient to determine the role of this variant in disease. Therefore, it has been classified as a Variant of Uncertain Significance.

Natera, Inc.
Classification: Uncertain significance for Congenital myasthenic syndrome. Last evaluated: 2020-10-14. Review status: no assertion criteria provided. Collection method: clinical testing. Allele origin: germline. Not counted in ClinVar's aggregate classification.